The following is an entry in ClinVar:

ClinVar aggregate classification (germline): Benign (3 of 4 stars; one submission).

Conditions:
Breast-ovarian cancer, familial, susceptibility to, 2 (BROVCA2). Also called: BRCA2 Hereditary Breast and Ovarian Cancer. Identifiers: Orphanet 145, MedGen C2675520, MONDO:0012933, OMIM 612555. Disease mechanism: loss of function.

Allele frequency attached by ClinVar (database versions not stated): 1000 Genomes Project 0.00559; gnomAD 0.00595 and 0.00652; 1000 Genomes Project 30x 0.00609; TOPMed 0.00652.
gnomAD v4.1: 895 of 152,246 alleles (0.59%); highest among the groups gnomAD compares: African/African-American, 2.1%; 9 homozygotes.

Submission:

Evidence-based Network for the Interpretation of Germline Mutant Alleles (ENIGMA)
Classification: Benign for Breast-ovarian cancer, familial, susceptibility to, 2. Last evaluated: 2016-09-28. Review status: reviewed by expert panel. Criteria: ENIGMA BRCA1/2 Classification Criteria (2015). Collection method: curation. Allele origin: germline.
Comment: Class 1 not pathogenic based on frequency >1% in an outbred sampleset. Frequency 0.0204 (African), derived from 1000 genomes (2013-05-02).

NM_000059.4(BRCA2):c.316+2287G>C

Gene: BRCA2 (BRCA2 DNA repair associated; plus strand). Cytogenetic location: 13q13.1.
Variant type: single nucleotide variant.
Coding change: c.316+2287G>C on transcript NM_000059.4 (MANE Select); 2287 bases into the intron after coding-DNA position 316, G replaced by C.
Molecular consequence: intron variant.
Genome position (GRCh38, 1-based): chr13:32,321,612, G>C. VCF-style: chr13-32321612-G-C. GRCh37 (hg19) VCF-style: chr13-32895749-G-C.
Identifiers: ClinVar variation 264905 (VCV000264905.1), dbSNP rs11571595, ClinGen allele CA10588069.